The following is an entry in ClinVar:

ClinVar aggregate classification (germline): Pathogenic. Review status: criteria provided, multiple submitters, no conflicts (2 of 4 stars). 2 submissions from 2 submitters: Pathogenic (2). Last evaluated 2025-02-12.

Conditions:
Cardiovascular phenotype. Identifiers: MedGen CN230736.
Hereditary cancer-predisposing syndrome. Also called: Tumor predisposition; Hereditary neoplastic syndrome; Neoplastic Syndromes, Hereditary; Hereditary Cancer Syndrome. Identifiers: Orphanet 140162, MedGen C0027672, MeSH D009386, MONDO:0015356.
Neurofibromatosis, type 1 (NF1). Also called: VON RECKLINGHAUSEN DISEASE; Peripheral type neurofibromatosis; Neurofibromatosis, type I; NEUROFIBROMATOSIS, TYPE I, SOMATIC. Identifiers: Orphanet 636, MedGen C0027831, MONDO:0018975, OMIM 162200. Disease mechanism: loss of function.

Submissions (2):

Labcorp Genetics (formerly Invitae), Labcorp
Classification: Pathogenic for Neurofibromatosis, type 1. Last evaluated: 2025-02-12. Review status: criteria provided, single submitter. Criteria: Invitae Variant Classification Sherloc (09022015). Collection method: clinical testing. Allele origin: germline.
Comment: This sequence change creates a premature translational stop signal (p.Ile275Valfs*14) in the NF1 gene. It is expected to result in an absent or disrupted protein product. Loss-of-function variants in NF1 are known to be pathogenic (PMID: 10712197, 23913538). This variant is not present in population databases (gnomAD no frequency). This variant has not been reported in the literature in individuals affected with NF1-related conditions. ClinVar contains an entry for this variant (Variation ID: 1378169). For these reasons, this variant has been classified as Pathogenic.

Ambry Genetics
Classification: Pathogenic for Cardiovascular phenotype; Hereditary cancer-predisposing syndrome. Last evaluated: 2024-01-03. Review status: criteria provided, single submitter. Criteria: Ambry Variant Classification Scheme 2023. Collection method: clinical testing. Allele origin: germline.
Comment: The c.823_827delATCTT pathogenic mutation, located in coding exon 8 of the NF1 gene, results from a deletion of 5 nucleotides at nucleotide positions 823 to 827, causing a translational frameshift with a predicted alternate stop codon (p.I275Vfs*14). This alteration has been observed in at least one individual with a personal and/or family history that is consistent with NF1-related disease (Ambry internal data). This variant is considered to be rare based on population cohorts in the Genome Aggregation Database (gnomAD). This alteration is expected to result in loss of function by premature protein truncation or nonsense-mediated mRNA decay. As such, this alteration is interpreted as a disease-causing mutation.

Literature cited by the submitters: PubMed 10712197 (cited by Labcorp Genetics (formerly Invitae), Labcorp); PubMed 23913538 (cited by Labcorp Genetics (formerly Invitae), Labcorp).

NM_001042492.3(NF1):c.823_827del (p.Ile275fs)

Gene: NF1 (neurofibromin 1; plus strand). Cytogenetic location: 17q11.2.
Variant type: Deletion.
Coding change: c.823_827del on transcript NM_001042492.3 (MANE Select); coding-DNA positions 823 to 827, 5 bases deleted (ATCTT; older notation c.823_827delATCTT).
Protein change: p.Ile275fs; shifts the reading frame from isoleucine 275.
Molecular consequence: frameshift variant.
Genome position (GRCh38, 1-based): chr17:31,182,600-31,182,604, ATCTT deleted; deleting any 5 consecutive bases within chr17:31,182,597-31,182,604 gives the same sequence; the c. name uses the placement nearest the transcript's 3' end. VCF-style (leftmost placement, unchanged base first): chr17-31182596-CCTTAT-C. GRCh37 (hg19) VCF-style: chr17-29509614-CCTTAT-C.
Other names: c.823_827delATCTT (NM_000267.3); c.823_827delATCTT, p.Ile275Valfs (NM_000267.4); c.823_827del, p.Ile275fs (NM_001128147.3); short protein forms I275fs.
Identifiers: ClinVar variation 1378169 (VCV001378169.7), dbSNP rs2143786096, ClinGen allele CA2573153743.